The following is an entry in ClinVar:

ClinVar aggregate classification (germline): Uncertain significance (1 of 4 stars; one submission).

gnomAD v4.1: 1 of 1,613,776 alleles (0.000062%); no homozygotes.

Submission:

Labcorp Genetics (formerly Invitae), Labcorp
Classification: Uncertain significance. Last evaluated: 2022-01-08. Review status: criteria provided, single submitter. Criteria: Invitae Variant Classification Sherloc (09022015). Collection method: clinical testing. Allele origin: germline.
Comment: In summary, the available evidence is currently insufficient to determine the role of this variant in disease. Therefore, it has been classified as a Variant of Uncertain Significance. This sequence change replaces serine, which is neutral and polar, with threonine, which is neutral and polar, at codon 655 of the RNF31 protein (p.Ser655Thr). This variant is not present in population databases (gnomAD no frequency). This variant has not been reported in the literature in individuals affected with RNF31-related conditions. Algorithms developed to predict the effect of missense changes on protein structure and function are either unavailable or do not agree on the potential impact of this missense change (SIFT: "Deleterious"; PolyPhen-2: "Possibly Damaging"; Align-GVGD: "Class C0").

NM_017999.5(RNF31):c.1964G>C (p.Ser655Thr)

Gene: RNF31 (ring finger protein 31; plus strand). Cytogenetic location: 14q12.
Variant type: single nucleotide variant.
Coding change: c.1964G>C on transcript NM_017999.5 (MANE Select); coding-DNA position 1964, G replaced by C.
Protein change: p.Ser655Thr; replaces serine 655 with threonine.
Molecular consequence: missense variant.
Genome position (GRCh38, 1-based): chr14:24,151,826, G>C. VCF-style: chr14-24151826-G-C. GRCh37 (hg19) VCF-style: chr14-24621035-G-C.
Other names: c.1511G>C, p.Ser504Thr (NM_001310332.2); short protein forms S504T, S655T.
Identifiers: ClinVar variation 2078101 (VCV002078101.4), dbSNP rs2502005440, ClinGen allele CA389298931.